The following is an entry in ClinVar:

ClinVar aggregate classification (germline): Benign/Likely benign. Review status: criteria provided, multiple submitters, no conflicts (2 of 4 stars). 7 submissions from 7 submitters: Benign (6); Likely benign (1). Last evaluated 2026-02-02.

Conditions:
Brittle cornea syndrome 1 (BCS1). Also called: CORNEAL FRAGILITY, KERATOGLOBUS, BLUE SCLERAE, JOINT HYPEREXTENSIBILITY; EDS6B; FRAGILITAS OCULI WITH JOINT HYPEREXTENSIBILITY; DYSGENESIS MESODERMALIS CORNEAE ET SCLERAE; Corneal fragility keratoglobus, blue sclerae AND joint hypermobility. Identifiers: Orphanet 90354, MedGen C0268344, MONDO:0024543, OMIM 229200.
Cardiovascular phenotype. Identifiers: MedGen CN230736.

Allele frequency attached by ClinVar (database versions not stated): gnomAD exomes 0.00104 and 0.00281; ExAC 0.00460; ESP Exome Variant Server 0.01117; gnomAD 0.01130 and 0.01217; 1000 Genomes Project 0.01218; TOPMed 0.01309; 1000 Genomes Project 30x 0.01374.
gnomAD v4.1: 3,286 of 1,549,988 alleles (0.21%); highest among the groups gnomAD compares: African/African-American, 3.8%; 64 homozygotes.

Submissions (7):

Labcorp Genetics (formerly Invitae), Labcorp
Classification: Benign. Last evaluated: 2026-02-02. Review status: criteria provided, single submitter. Criteria: Invitae Variant Classification Sherloc (09022015). Collection method: clinical testing. Allele origin: germline.

Women's Health and Genetics/Laboratory Corporation of America, LabCorp
Classification: Benign. Last evaluated: 2026-01-22. Review status: criteria provided, single submitter. Criteria: LabCorp Variant Classification Summary - May 2015. Collection method: clinical testing. Allele origin: germline.

Mayo Clinic Laboratories, Mayo Clinic
Classification: Benign. Last evaluated: 2023-03-14. Review status: criteria provided, single submitter. Criteria: ACMG Guidelines, 2015. Collection method: clinical testing. Allele origin: germline. Observed: 10 variant alleles.
Comment: BS1, BS2, BP4, BP7

Genome-Nilou Lab
Classification: Benign for Brittle cornea syndrome 1. Last evaluated: 2021-12-05. Review status: criteria provided, single submitter. Criteria: ACMG Guidelines, 2015. Collection method: clinical testing. Allele origin: germline. Affected: no.

Ambry Genetics
Classification: Benign for Cardiovascular phenotype. Last evaluated: 2019-04-24. Review status: criteria provided, single submitter. Criteria: Ambry Variant Classification Scheme 2023. Collection method: clinical testing. Allele origin: germline.

GeneDx
Classification: Benign. Last evaluated: 2017-01-04. Review status: criteria provided, single submitter. Criteria: GeneDx Variant Classification (06012015). Collection method: clinical testing. Allele origin: germline. Affected: yes.
Comment: This variant is considered likely benign or benign based on one or more of the following criteria: it is a conservative change, it occurs at a poorly conserved position in the protein, it is predicted to be benign by multiple in silico algorithms, and/or has population frequency not consistent with disease.

Breakthrough Genomics
Classification: Likely benign. Review status: criteria provided, single submitter. Criteria: ACMG Guidelines, 2015. Collection method: not provided. Allele origin: germline. Inheritance: Autosomal recessive inheritance. Affected: yes.

NM_001367624.2(ZNF469):c.8121G>A (p.Ala2707=)

Gene: ZNF469 (zinc finger protein 469; plus strand). Cytogenetic location: 16q24.2.
Variant type: single nucleotide variant.
Coding change: c.8121G>A on transcript NM_001367624.2 (MANE Select); coding-DNA position 8121, G replaced by A.
Protein change: p.Ala2707=; no amino-acid change (alanine 2707 retained).
Molecular consequence: synonymous variant.
Genome position (GRCh38, 1-based): chr16:88,435,591, G>A. VCF-style: chr16-88435591-G-A. GRCh37 (hg19) VCF-style: chr16-88501999-G-A.
Other names: NM_001127464.1:c.8037G>A; p.Ala2707=.
Identifiers: ClinVar variation 320983 (VCV000320983.18), dbSNP rs116696830, ClinGen allele CA8225311.
Genomic context (GRCh38, chr16:88,435,591, plus strand): 5'-TGACGGGGAGCAGCCGCCTCGCTTGGCCACTCTGGGACCTGGGGTGATGGAGGGTGCAGC[G>A]GAGACTGACCAGGAGGCTCTGTGTGCAGGGGAGACTGGGGCCCAGAAGCCACCTGGAGAT-3'
Protein context (NP_001354553.1, residues 2697-2717): TLGPGVMEGA[Ala2707=]ETDQEALCAG